The following is an entry in ClinVar:

NM_022748.12(TNS3):c.642G>A (p.Gly214=)

Gene: TNS3 (tensin 3; minus strand). Cytogenetic location: 7p12.3.
Variant type: single nucleotide variant.
Coding change: c.642G>A on transcript NM_022748.12 (MANE Select); coding-DNA position 642, G replaced by A.
Protein change: p.Gly214=; no amino-acid change (glycine 214 retained).
Molecular consequence: synonymous variant.
Genome position (GRCh38, 1-based): chr7:47,413,942, C>T on the plus strand (G>A on the coding strand, the complement: TNS3 is on the minus strand). VCF-style: chr7-47413942-C-T. GRCh37 (hg19) VCF-style: chr7-47453540-C-T.
Identifiers: ClinVar variation 774652 (VCV000774652.26), dbSNP rs148426711, ClinGen allele CA4251189.

ClinVar aggregate classification (germline): Benign. Review status: criteria provided, multiple submitters, no conflicts (2 of 4 stars). 2 submissions from 2 submitters: Benign (2). Last evaluated 2023-12-01.

Allele frequency attached by ClinVar (database versions not stated): 1000 Genomes Project 0.00339; 1000 Genomes Project 30x 0.00359; TOPMed 0.00754; gnomAD 0.00789 and 0.00810; ExAC 0.00860; gnomAD exomes 0.00865 and 0.00909; ESP Exome Variant Server 0.00908.
gnomAD v4.1: 14,600 of 1,613,800 alleles (0.9%); highest among the groups gnomAD compares: Middle Eastern, 2.6%; 116 homozygotes.

Submissions (2):

CeGaT Center for Human Genetics Tuebingen
Classification: Benign. Last evaluated: 2023-12-01. Review status: criteria provided, single submitter. Criteria: CeGaT Center For Human Genetics Tuebingen Variant Classification Criteria Version 2. Collection method: clinical testing. Allele origin: germline. Affected: yes. Observed: 1 variant allele.
Comment: TNS3: BP4, BP7, BS1, BS2

Labcorp Genetics (formerly Invitae), Labcorp
Classification: Benign. Last evaluated: 2019-12-31. Review status: criteria provided, single submitter. Criteria: Invitae Variant Classification Sherloc (09022015). Collection method: clinical testing. Allele origin: germline.